The following is an entry in ClinVar:

ClinVar aggregate classification (germline): Benign. Review status: criteria provided, multiple submitters, no conflicts (2 of 4 stars). 6 submissions from 6 submitters: Benign (4). 2 of the submissions do not count toward it. Last evaluated 2025-02-16.

Conditions:
Neurodevelopmental disorder with coarse facies and mild distal skeletal abnormalities. Also called: STOLERMAN NEURODEVELOPMENTAL SYNDROME. Identifiers: MedGen C5193134, MONDO:0032790, OMIM 618505.

Submissions (6):

Laboratory of Genetics, Children's Clinical University Hospital Latvia
Classification: Benign. Last evaluated: 2025-02-16. Review status: criteria provided, single submitter. Criteria: ACMG Guidelines, 2015. Collection method: clinical testing. Allele origin: germline. Affected: yes.

Molecular Genetics, Royal Melbourne Hospital
Classification: Benign for Neurodevelopmental disorder with coarse facies and mild distal skeletal abnormalities. Last evaluated: 2023-05-04. Review status: criteria provided, single submitter. Criteria: ACMG Guidelines, 2015. Collection method: clinical testing. Allele origin: germline. Affected: yes.
Comment: European Non-Finnish population allele frequency is 18.48% (rs779500270, 1399/23430 alleles, 15 homozygotes in gnomAD v2.1). Based on the classification scheme RMH Modified ACMG/AMP Guidelines v1.5.1, this variant is classified as BENIGN. Following criteria are met: BA1

GeneDx
Classification: Benign. Last evaluated: 2021-05-13. Review status: criteria provided, single submitter. Criteria: GeneDx Variant Classification Process June 2021. Collection method: clinical testing. Allele origin: germline. Affected: yes.

Genomic Diagnostic Laboratory, Division of Genomic Diagnostics, Children's Hospital of Philadelphia
Classification: Benign. Last evaluated: 2015-05-05. Review status: criteria provided, single submitter. Criteria: DGD Variant Analysis Guidelines. Collection method: clinical testing. Allele origin: unknown.

Clinical Genetics DNA and cytogenetics Diagnostics Lab, Erasmus MC, Erasmus Medical Center
Classification: Likely benign. Review status: no assertion criteria provided. Collection method: clinical testing. Allele origin: germline. Affected: yes. Study: VKGL Data-share Consensus. Not counted in ClinVar's aggregate classification.

Laboratory of Diagnostic Genome Analysis, Leiden University Medical Center (LUMC)
Classification: Likely benign. Review status: no assertion criteria provided. Collection method: clinical testing. Allele origin: germline. Affected: yes. Study: VKGL Data-share Consensus. Not counted in ClinVar's aggregate classification.

NM_001348716.2(KDM6B):c.753ACC[11] (p.Pro263_Pro264del)

Gene: KDM6B (lysine demethylase 6B; plus strand). Cytogenetic location: 17p13.1.
Variant type: Microsatellite.
Coding change: c.753ACC[11] on transcript NM_001348716.2 (MANE Select); 11 copies in a row of the 3-base unit ACC starting at c.753; the reference has 13 copies in a row; two copies, 6 bases deleted.
Protein change: p.Pro263_Pro264del.
Molecular consequence: inframe deletion.
Genome position (GRCh38, 1-based): chr17:7,846,893-7,846,898, ACCACC deleted; deleting any 6 consecutive bases within chr17:7,846,860-7,846,898 gives the same sequence; the position shown is the placement nearest the transcript's 3' end. VCF-style (leftmost placement, unchanged base first): chr17-7846859-TACCACC-T. GRCh37 (hg19) VCF-style: chr17-7750177-TACCACC-T.
Other names: c.753ACC[11], p.Pro263_Pro264del (NM_001080424.2); c.786_791delACCACC (NM_001080424.1, NM_001348716.2).
Identifiers: ClinVar variation 218502 (VCV000218502.7), dbSNP rs61462443, ClinGen allele CA249238.